The following is an entry in ClinVar:

NM_002890.3(RASA1):c.1054T>C (p.Phe352Leu)

Genes: CCNH (cyclin H; minus strand), RASA1 (RAS p21 protein activator 1; plus strand). Cytogenetic location: 5q14.3.
Variant type: single nucleotide variant.
Coding change: c.1054T>C on transcript NM_002890.3 (MANE Select); coding-DNA position 1054, T replaced by C.
Protein change: p.Phe352Leu; replaces phenylalanine 352 with leucine.
Molecular consequence: missense variant. On other transcripts: intron variant (1).
Genome position (GRCh38, 1-based): chr5:87,346,676, T>C. VCF-style: chr5-87346676-T-C. GRCh37 (hg19) VCF-style: chr5-86642493-T-C.
Other names: c.523T>C, p.Phe175Leu (NM_022650.3); c.934-33881A>G (NM_001364075.2); short protein forms F352L, F175L.
Identifiers: ClinVar variation 3725783 (VCV003725783.2).

ClinVar aggregate classification (germline): Uncertain significance (1 of 4 stars; one submission).

Conditions:
Capillary malformation-arteriovenous malformation syndrome. Also called: Capillary malformation-arteriovenous malformation. Identifiers: Orphanet 137667, MedGen C1842180, MONDO:0012016.

Submission:

Labcorp Genetics (formerly Invitae), Labcorp
Classification: Uncertain significance for Capillary malformation-arteriovenous malformation syndrome. Last evaluated: 2024-11-26. Review status: criteria provided, single submitter. Criteria: Invitae Variant Classification Sherloc (09022015). Collection method: clinical testing. Allele origin: germline.
Comment: This sequence change replaces phenylalanine, which is neutral and non-polar, with leucine, which is neutral and non-polar, at codon 352 of the RASA1 protein (p.Phe352Leu). This variant is not present in population databases (gnomAD no frequency). This variant has not been reported in the literature in individuals affected with RASA1-related conditions. An algorithm developed to predict the effect of missense changes on protein structure and function (PolyPhen-2) suggests that this variant is likely to be tolerated. In summary, the available evidence is currently insufficient to determine the role of this variant in disease. Therefore, it has been classified as a Variant of Uncertain Significance.